The following is an entry in ClinVar:

NM_030777.4(SLC2A10):c.720C>A (p.Leu240=)

Gene: SLC2A10 (solute carrier family 2 member 10; plus strand). Cytogenetic location: 20q13.12.
Variant type: single nucleotide variant.
Coding change: c.720C>A on transcript NM_030777.4 (MANE Select); coding-DNA position 720, C replaced by A.
Protein change: p.Leu240=; no amino-acid change (leucine 240 retained).
Molecular consequence: synonymous variant.
Genome position (GRCh38, 1-based): chr20:46,725,756, C>A. VCF-style: chr20-46725756-C-A. GRCh37 (hg19) VCF-style: chr20-45354395-C-A.
Identifiers: ClinVar variation 510675 (VCV000510675.10), dbSNP rs374985824, ClinGen allele CA9892033.

ClinVar aggregate classification (germline): Likely benign. Review status: criteria provided, multiple submitters, no conflicts (2 of 4 stars). 3 submissions from 3 submitters: Likely benign (3). Last evaluated 2024-12-26.

Conditions:
Familial thoracic aortic aneurysm and aortic dissection (TAAD). Also called: Thoracic aortic aneurysms and dissections. Identifiers: Orphanet 91387, MedGen C4707243, MONDO:0019625.
Arterial tortuosity syndrome (ATORS). Identifiers: Orphanet 3342, MedGen C1859726, MONDO:0008818, OMIM 208050.

Allele frequency attached by ClinVar (database versions not stated): gnomAD 0.00001; gnomAD exomes 0.00001; ExAC 0.00002; TOPMed 0.00002; ESP Exome Variant Server 0.00008.
gnomAD v4.1: 28 of 1,614,088 alleles (0.0017%); highest among the groups gnomAD compares: Non-Finnish European, 0.0023%; no homozygotes.

Submissions (3):

Labcorp Genetics (formerly Invitae), Labcorp
Classification: Likely benign for Arterial tortuosity syndrome. Last evaluated: 2024-12-26. Review status: criteria provided, single submitter. Criteria: Invitae Variant Classification Sherloc (09022015). Collection method: clinical testing. Allele origin: germline.

Ambry Genetics
Classification: Likely benign for Familial thoracic aortic aneurysm and aortic dissection. Last evaluated: 2023-02-16. Review status: criteria provided, single submitter. Criteria: Ambry Variant Classification Scheme 2023. Collection method: clinical testing. Allele origin: germline.

GeneDx
Classification: Likely benign. Last evaluated: 2017-07-11. Review status: criteria provided, single submitter. Criteria: GeneDx Variant Classification (06012015). Collection method: clinical testing. Allele origin: germline. Affected: yes.
Comment: This variant is considered likely benign or benign based on one or more of the following criteria: it is a conservative change, it occurs at a poorly conserved position in the protein, it is predicted to be benign by multiple in silico algorithms, and/or has population frequency not consistent with disease.